The following is an entry in ClinVar:

ClinVar aggregate classification (germline): Uncertain significance (1 of 4 stars; one submission).

Conditions:
Hereditary cancer-predisposing syndrome. Also called: Neoplastic Syndromes, Hereditary; Tumor predisposition; Hereditary Cancer Syndrome; Hereditary neoplastic syndrome. Identifiers: Orphanet 140162, MedGen C0027672, MeSH D009386, MONDO:0015356.

Submission:

Color Diagnostics, LLC DBA Color Health
Classification: Uncertain significance for Hereditary cancer-predisposing syndrome. Last evaluated: 2023-12-04. Review status: criteria provided, single submitter. Criteria: ACMG Guidelines, 2015. Collection method: clinical testing. Allele origin: germline.
Comment: This missense variant replaces serine with alanine at codon 624 of the CDH1 protein. To our knowledge, functional studies have not been reported for this variant. This variant has not been reported in individuals affected with CDH1-related disorders in the literature. This variant has not been identified in the general population by the Genome Aggregation Database (gnomAD). The available evidence is insufficient to determine the role of this variant in disease conclusively. Therefore, this variant is classified as a Variant of Uncertain Significance.

NM_004360.5(CDH1):c.1870T>G (p.Ser624Ala)

Gene: CDH1 (cadherin 1; plus strand). Cytogenetic location: 16q22.1.
Variant type: single nucleotide variant.
Coding change: c.1870T>G on transcript NM_004360.5 (MANE Select); coding-DNA position 1870, T replaced by G.
Protein change: p.Ser624Ala; replaces serine 624 with alanine.
Molecular consequence: missense variant. On other transcripts: 5 prime UTR variant (1).
Genome position (GRCh38, 1-based): chr16:68,822,159, T>G. VCF-style: chr16-68822159-T-G. GRCh37 (hg19) VCF-style: chr16-68856062-T-G.
Other names: c.1687T>G, p.Ser563Ala (NM_001317184.2); c.322T>G, p.Ser108Ala (NM_001317185.2); c.-96T>G (NM_001317186.2); short protein forms S108A, S563A, S624A.
Identifiers: ClinVar variation 925653 (VCV000925653.4), dbSNP rs1961165900, ClinGen allele CA396467083.